The following is an entry in ClinVar:

ClinVar aggregate classification (somatic clinical impact): Tier II - Potential (1 of 4 stars; one submission).

Conditions:
Choroid plexus carcinoma (CPC). Identifiers: Orphanet 251899, MedGen C0431109, MONDO:0016718, HP:0030392.

Submission:

Institute for Genomic Medicine (IGM) Clinical Laboratory, Nationwide Children's Hospital
Classification: Tier II - Potential for Choroid plexus carcinoma. Assertion type: diagnostic. Clinical significance: supports diagnosis. Last evaluated: 2024-02-07. Review status: criteria provided, single submitter. Criteria: AMP/ASCO/CAP Guidelines, 2017. Collection method: clinical testing. Allele origin: somatic. Affected: yes.
Comment: Variant has Tier II (potential) clinical significance as a diagnostic inclusion criterion in choroid plexus carcinoma, based on the following evidence: 1) Diagnostic significance based on multiple small studies (Evidence Level C; PMIDs: 30651371, 35964818).

Literature cited by the submitters: PubMed 30651371; PubMed 35964818.

NM_000321.3(RB1):c.2236del (p.Glu746fs)

Gene: RB1 (RB transcriptional corepressor 1; plus strand). Cytogenetic location: 13q14.2.
Variant type: Deletion.
Coding change: c.2236del on transcript NM_000321.3 (MANE Select); coding-DNA position 2236, one base deleted (G; older notation c.2236delG).
Protein change: p.Glu746fs; shifts the reading frame from glutamic acid 746.
Molecular consequence: frameshift variant.
Genome position (GRCh38, 1-based): chr13:48,465,022, G deleted. VCF-style (leftmost placement, unchanged base first): chr13-48465021-AG-A. GRCh37 (hg19) VCF-style: chr13-49039157-AG-A.
Other names: c.2236del, p.Glu746fs (NM_001407165.1); short protein forms E746fs.
Identifiers: ClinVar variation 4530308 (VCV004530308.1).
Genomic context (GRCh38, chr13:48,465,021, plus strand): 5'-TTTTTTTTTTTTTTTTTTTTTTACTGTTCTTCCTCAGACATTCAAACGTGTTTTGATCAA[AG>A]AAGAGGAGTATGATTCTATTATAGTATTCTATAACTCGGTCTTCATGCAGAGACTGAAAA-3'